The following is an entry in ClinVar:

NM_018834.6(MATR3):c.1675T>C (p.Phe559Leu)

Gene: MATR3 (matrin 3; plus strand). Cytogenetic location: 5q31.2.
Variant type: single nucleotide variant.
Coding change: c.1675T>C on transcript NM_018834.6 (MANE Select); coding-DNA position 1675, T replaced by C.
Protein change: p.Phe559Leu; replaces phenylalanine 559 with leucine.
Molecular consequence: missense variant.
Genome position (GRCh38, 1-based): chr5:139,321,970, T>C. VCF-style: chr5-139321970-T-C. GRCh37 (hg19) VCF-style: chr5-138657659-T-C.
Other names: c.1675T>C, p.Phe559Leu (NM_001194954.2, NM_001194955.2, NM_001400441.1 and 16 more transcripts); c.811T>C, p.Phe271Leu (NM_001194956.2); c.661T>C, p.Phe221Leu (NM_001282278.2, NM_001400460.1, NM_001400462.1 and 5 more transcripts); c.814T>C, p.Phe272Leu (NM_001400459.1); c.775T>C, p.Phe259Leu (NM_001400461.1); short protein forms F221L, F271L, F272L, F259L, F559L.
Identifiers: ClinVar variation 3651679 (VCV003651679.2).

ClinVar aggregate classification (germline): Uncertain significance (1 of 4 stars; one submission).

Conditions:
Amyotrophic lateral sclerosis type 21. Also called: VOCAL CORD AND PHARYNGEAL DYSFUNCTION WITH DISTAL MYOPATHY; MYOPATHY, DISTAL, 2. Identifiers: Orphanet 600, Orphanet 803, MedGen C3807521, MONDO:0011632, OMIM 606070.

Submission:

Labcorp Genetics (formerly Invitae), Labcorp
Classification: Uncertain significance for Amyotrophic lateral sclerosis type 21. Last evaluated: 2025-07-29. Review status: criteria provided, single submitter. Criteria: Invitae Variant Classification Sherloc (09022015). Collection method: clinical testing. Allele origin: germline.
Comment: This sequence change replaces phenylalanine, which is neutral and non-polar, with leucine, which is neutral and non-polar, at codon 559 of the MATR3 protein (p.Phe559Leu). This variant is not present in population databases (gnomAD no frequency). This variant has not been reported in the literature in individuals affected with MATR3-related conditions. ClinVar contains an entry for this variant (Variation ID: 3651679). Invitae Evidence Modeling of protein sequence and biophysical properties (such as structural, functional, and spatial information, amino acid conservation, physicochemical variation, residue mobility, and thermodynamic stability) has been performed for this missense variant. However, the output from this modeling did not meet the statistical confidence thresholds required to predict the impact of this variant on MATR3 protein function. In summary, the available evidence is currently insufficient to determine the role of this variant in disease. Therefore, it has been classified as a Variant of Uncertain Significance.